The following is an entry in ClinVar:

ClinVar aggregate classification (germline): Pathogenic. Review status: criteria provided, multiple submitters, no conflicts (2 of 4 stars). 2 submissions from 2 submitters: Pathogenic (2). Last evaluated 2026-01-19.

Conditions:
Rhabdoid tumor predisposition syndrome 2 (RTPS2). Identifiers: Orphanet 231108, Orphanet 69077, MedGen C2750074, MONDO:0013224, OMIM 613325.

Submissions (2):

Labcorp Genetics (formerly Invitae), Labcorp
Classification: Pathogenic for Rhabdoid tumor predisposition syndrome 2. Last evaluated: 2026-01-19. Review status: criteria provided, single submitter. Criteria: Invitae Variant Classification Sherloc (09022015). Collection method: clinical testing. Allele origin: germline.
Comment: This sequence change creates a premature translational stop signal (p.Gly264Argfs*23) in the SMARCA4 gene. It is expected to result in an absent or disrupted protein product. Loss-of-function variants in SMARCA4 are known to be pathogenic (PMID: 24658001, 24658002). This variant is not present in population databases (gnomAD no frequency). This variant has not been reported in the literature in individuals affected with SMARCA4-related conditions. ClinVar contains an entry for this variant (Variation ID: 545856). For these reasons, this variant has been classified as Pathogenic.

GeneDx
Classification: Pathogenic. Last evaluated: 2017-12-21. Review status: criteria provided, single submitter. Criteria: GeneDx Variant Classification (06012015). Collection method: clinical testing. Allele origin: germline. Affected: yes.
Comment: This duplication of one nucleotide in SMARCA4 is denoted c.788dupC at the cDNA level and p.Gly264ArgfsX23 (G264RfsX23) at the protein level. The normal sequence, with the base that is duplicated in brackets, is TCCCC[dupC]AGGA. The duplication causes a frameshift which changes a Glycine to an Arginine at codon 264, and creates a premature stop codon at position 23 of the new reading frame. Although this variant has not, to our knowledge, been reported in the literature, it is predicted to cause loss of normal protein function through either protein truncation or nonsense-mediated mRNA decay. We consider this variant to be pathogenic.

Literature cited by the submitters: PubMed 24658001 (cited by Labcorp Genetics (formerly Invitae), Labcorp); PubMed 24658002 (cited by Labcorp Genetics (formerly Invitae), Labcorp).

NM_003072.5(SMARCA4):c.788dup (p.Gly264fs)

Gene: SMARCA4 (SWI/SNF related BAF chromatin remodeling complex subunit ATPase 4; plus strand). Cytogenetic location: 19p13.2.
Variant type: Duplication.
Coding change: c.788dup on transcript NM_003072.5 (MANE Select); coding-DNA position 788, one base duplicated (C; older notation c.788dupC).
Protein change: p.Gly264fs; shifts the reading frame from glycine 264.
Molecular consequence: frameshift variant. On other transcripts: non-coding transcript variant (1).
Genome position (GRCh38, 1-based): chr19:10,986,932, C duplicated; the last of 5 consecutive C bases (chr19:10,986,928-10,986,932); duplicating any one gives the same sequence. VCF-style (leftmost placement, unchanged base first): chr19-10986927-T-TC. GRCh37 (hg19) VCF-style: chr19-11097603-T-TC.
Other names: c.788dupC (NM_001128849.1); c.788dup, p.Gly264fs (NM_001128844.3, NM_001128845.2, NM_001128846.2 and 5 more transcripts); short protein forms G264fs.
Identifiers: ClinVar variation 545856 (VCV000545856.4), dbSNP rs1555754177, ClinGen allele CA658823828.